The following is an entry in ClinVar:

NM_020163.3(SEMA3G):c.1114G>A (p.Gly372Ser)

Gene: SEMA3G (semaphorin 3G; minus strand). Cytogenetic location: 3p21.1.
Variant type: single nucleotide variant.
Coding change: c.1114G>A on transcript NM_020163.3 (MANE Select); coding-DNA position 1114, G replaced by A.
Protein change: p.Gly372Ser; replaces glycine 372 with serine.
Molecular consequence: missense variant.
Genome position (GRCh38, 1-based): chr3:52,440,406, C>T on the plus strand (G>A on the coding strand, the complement: SEMA3G is on the minus strand). VCF-style: chr3-52440406-C-T. GRCh37 (hg19) VCF-style: chr3-52474422-C-T.
Other names: short protein forms G372S.
Identifiers: ClinVar variation 4980689 (VCV004980689.1).

ClinVar aggregate classification (germline): Uncertain significance (1 of 4 stars; one submission).

Conditions:
SEMA3G-related disorder. Also called: SEMA3G-related condition.

gnomAD v4.1: 20 of 1,609,452 alleles (0.0012%); highest among the groups gnomAD compares: Non-Finnish European, 0.0016%; no homozygotes.

Submission:

PreventionGenetics, part of Exact Sciences
Classification: Uncertain significance for SEMA3G-related condition. Last evaluated: 2025-06-12. Review status: criteria provided, single submitter. Criteria: ACMG Guidelines, 2015. Collection method: clinical testing. Allele origin: germline.
Comment: The SEMA3G c.1114G>A variant is predicted to result in the amino acid substitution p.Gly372Ser. To our knowledge, this variant has not been reported in the literature. This variant is reported in 0.0030% of alleles in individuals of Latino descent in gnomAD. At this time, the clinical significance of this variant is uncertain due to the absence of conclusive functional and genetic evidence.